The following is an entry in ClinVar:

ClinVar aggregate classification (germline): Pathogenic/Likely pathogenic. Review status: criteria provided, multiple submitters, no conflicts (2 of 4 stars). 12 submissions from 12 submitters: Pathogenic (9); Likely pathogenic (1). 2 of the submissions do not count toward it. Last evaluated 2024-08-12.

Conditions:
TUBB4A-related disorder. Also called: TUBB4A-related condition.
Leukodystrophy, hypomyelinating, 6. Also called: Hypomyelination with Atrophy of Basal Ganglia and Cerebellum (H-ABC); LEUKODYSTROPHY, HYPOMYELINATING, WITH ATROPHY OF THE BASAL GANGLIA AND CEREBELLUM; TUBB4A-Associated Leukodystrophy. Identifiers: Orphanet 139441, MedGen C2676244, MONDO:0012905, OMIM 612438.
Auditory neuropathy spectrum disorder. Identifiers: MedGen C2732267.
Inborn genetic diseases. Identifiers: MedGen C0950123, MeSH D030342.

Submissions (12):

3billion
Classification: Pathogenic for Leukodystrophy, hypomyelinating, 6. Last evaluated: 2024-08-12. Review status: criteria provided, single submitter. Criteria: ACMG Guidelines, 2015. Collection method: clinical testing. Allele origin: germline. Affected: yes.
Comment: The variant is not observed in the gnomAD v4.0.0 dataset. Predicted Consequence/Location: Missense changes are a common disease-causing mechanism. In silico tool predictions suggest damaging effect of the variant on gene or gene product [REVEL: 0.95 (>=0.6, sensitivity 0.68 and specificity 0.92); 3Cnet: 0.94 (>=0.6, sensitivity 0.72 and precision 0.9)]. The same nucleotide change resulting in the same amino acid change has been previously reported as pathogenic/likely pathogenic with strong evidence (ClinVar ID: VCV000265314 /PMID: 24850488 /3billion dataset). The variant has been previously reported as de novo in at least two similarly affected unrelated individuals (PMID: 24706558, 24974158). A different missense change at the same codon (p.Arg262Pro) has been reported to be associated with TUBB4A related disorder (PMID: 35871212). Therefore, this variant is classified as Pathogenic according to the recommendation of ACMG/AMP guideline.

Revvity Omics, Revvity
Classification: Pathogenic. Last evaluated: 2023-04-03. Review status: criteria provided, single submitter. Criteria: ACMG Guidelines, 2015. Collection method: clinical testing. Allele origin: germline.

Institute of Medical Genetics and Applied Genomics, University Hospital Tübingen
Classification: Pathogenic for Leukodystrophy, hypomyelinating, 6. Last evaluated: 2022-12-07. Review status: criteria provided, single submitter. Criteria: ACMG Guidelines, 2015. Collection method: clinical testing. Allele origin: germline. Inheritance: Autosomal dominant inheritance. Affected: yes.

Labcorp Genetics (formerly Invitae), Labcorp
Classification: Pathogenic for Leukodystrophy, hypomyelinating, 6. Last evaluated: 2022-11-01. Review status: criteria provided, single submitter. Criteria: Invitae Variant Classification Sherloc (09022015). Collection method: clinical testing. Allele origin: germline.
Comment: For these reasons, this variant has been classified as Pathogenic. Advanced modeling of protein sequence and biophysical properties (such as structural, functional, and spatial information, amino acid conservation, physicochemical variation, residue mobility, and thermodynamic stability) performed at Invitae indicates that this missense variant is expected to disrupt TUBB4A protein function. ClinVar contains an entry for this variant (Variation ID: 265314). This missense change has been observed in individual(s) with hypomyelinating leukodystrophy (PMID: 24706558, 24850488, 24974158). In at least one individual the variant was observed to be de novo. This variant is not present in population databases (gnomAD no frequency). This sequence change replaces arginine, which is basic and polar, with histidine, which is basic and polar, at codon 262 of the TUBB4A protein (p.Arg262His).

Clinical Genetics Laboratory, Skane University Hospital Lund
Classification: Pathogenic. Last evaluated: 2022-07-13. Review status: criteria provided, single submitter. Criteria: ACMG Guidelines, 2015. Collection method: clinical testing. Allele origin: germline. Affected: yes.

GeneDx
Classification: Pathogenic. Last evaluated: 2022-04-29. Review status: criteria provided, single submitter. Criteria: GeneDx Variant Classification Process June 2021. Collection method: clinical testing. Allele origin: germline. Affected: yes.
Comment: Not observed at significant frequency in large population cohorts (gnomAD); In silico analysis supports that this missense variant has a deleterious effect on protein structure/function; This variant is associated with the following publications: (PMID: 24706558, 25168211, 28840640, 24974158, 24850488, 25772097, 25356970, 34652576)

Molecular Diagnostics Lab, Nemours Children's Health, Delaware
Classification: Likely pathogenic for Leukodystrophy, hypomyelinating, 6. Last evaluated: 2021-01-04. Review status: criteria provided, single submitter. Criteria: ACMG Guidelines, 2015. Collection method: clinical testing. Allele origin: unknown. Inheritance: Autosomal dominant inheritance. Affected: yes. Observed: 3 heterozygotes.
Comment: This missense variant (c.785G>A, p.Arg262His) has not been observed in population databases (gnomAD), but the change has been reported in the literature (PMID 24706558, PMID 23582646, PMID 24974158, PMID 24850488). Variant prediction programs suggest a deleterious effect, although no functional studies have been published. It has been seen in 3 unrelated affected individuals in this laboratory.

Blueprint Genetics
Classification: Pathogenic for TUBB4A-related disorders. Last evaluated: 2019-09-04. Review status: criteria provided, single submitter. Criteria: ACMG Guidelines, 2015. Collection method: clinical testing. Allele origin: germline. Affected: yes. Observed: 1 variant allele.

Women's Health and Genetics/Laboratory Corporation of America, LabCorp
Classification: Pathogenic for Leukodystrophy, hypomyelinating, 6. Last evaluated: 2018-06-08. Review status: criteria provided, single submitter. Criteria: LabCorp Variant Classification Summary - May 2015. Collection method: clinical testing. Allele origin: germline.
Comment: Variant summary: TUBB4A c.785G>A (p.Arg262His) results in a non-conservative amino acid change located in the Tubulin/FtsZ, 2-layer sandwich domain (InterPro). Three of four in-silico tools predict a damaging effect of the variant on protein function. The variant was absent in 246022 control chromosomes. c.785G>A has been reported in the literature as a de novo mutation in several unrelated individuals affected with Hypomyelinating Leukodystrophy 6. These data indicate that the variant is likely to be associated with disease. To our knowledge, no experimental evidence demonstrating an impact on protein function has been reported. Two clinical diagnostic laboratories have submitted clinical-significance assessments for this variant to ClinVar after 2014 and both classified the variant as pathogenic. Based on the evidence outlined above, the variant was classified as pathogenic.

Ambry Genetics
Classification: Pathogenic for Inborn genetic diseases. Last evaluated: 2014-06-05. Review status: criteria provided, single submitter. Criteria: Ambry exome assertion method (8-5-2015). Collection method: clinical testing. Allele origin: germline. Affected: yes. Observed: 2 variant alleles.

Department of Otolaryngology, Head and Neck Surgery, Beijing Friendship Hospital, Capital Medical University
Classification: Pathogenic for Auditory neuropathy spectrum disorder. Last evaluated: 2022-08-21. Review status: no assertion criteria provided. Collection method: clinical testing. Allele origin: de novo. Inheritance: Autosomal dominant inheritance. Affected: yes. Not counted in ClinVar's aggregate classification.

GeneReviews
No classification provided. Condition: Leukodystrophy, hypomyelinating, 6. Review status: no classification provided. Collection method: literature only. Allele origin: germline. Not counted in ClinVar's aggregate classification.

Literature cited by the submitters: PubMed 24850488 (cited by 5 submitters); PubMed 35871212 (cited by 3billion); PubMed 24706558 (cited by 6 submitters); PubMed 24974158 (cited by 5 submitters); PubMed 25356970 (cited by Women's Health and Genetics/Laboratory Corporation of America, LabCorp); PubMed 29451896 (cited by Women's Health and Genetics/Laboratory Corporation of America, LabCorp); PubMed 25168210 (cited by Women's Health and Genetics/Laboratory Corporation of America, LabCorp); NCBI Bookshelf NBK395611 (cited by GeneReviews).

NM_006087.4(TUBB4A):c.785G>A (p.Arg262His)

Gene: TUBB4A (tubulin beta 4A class IVa; minus strand). Cytogenetic location: 19p13.3.
Variant type: single nucleotide variant.
Coding change: c.785G>A on transcript NM_006087.4 (MANE Select); coding-DNA position 785, G replaced by A.
Protein change: p.Arg262His; replaces arginine 262 with histidine.
Molecular consequence: missense variant.
Genome position (GRCh38, 1-based): chr19:6,495,714, C>T on the plus strand (G>A on the coding strand, the complement: TUBB4A is on the minus strand). VCF-style: chr19-6495714-C-T. GRCh37 (hg19) VCF-style: chr19-6495725-C-T.
Other names: c.938G>A, p.Arg313His (NM_001289123.2); c.920G>A, p.Arg307His (NM_001289127.2); c.785G>A, p.Arg262His (NM_001289129.2); c.569G>A, p.Arg190His (NM_001289130.2, NM_001289131.2); short protein forms R262H, R313H, R190H, R307H.
Identifiers: ClinVar variation 265314 (VCV000265314.30), dbSNP rs886039470, ClinGen allele CA10588689.